The following is an entry in ClinVar:

ClinVar aggregate classification (germline): Pathogenic (1 of 4 stars; one submission).

Conditions:
Ataxia-telangiectasia syndrome (AT). Also called: ATAXIA-TELANGIECTASIA, COMPLEMENTATION GROUP A; ATAXIA-TELANGIECTASIA, FRESNO VARIANT; Ataxia-telangiectasia; Ataxia-telangiectasia, complementation group D; Ataxia-telangiectasia, complementation group E; Ataxia telangiectasia (A-T). Identifiers: Orphanet 100, MedGen C0004135, MONDO:0008840, OMIM 208900.

Submission:

Labcorp Genetics (formerly Invitae), Labcorp
Classification: Pathogenic for Ataxia-telangiectasia syndrome. Last evaluated: 2021-06-29. Review status: criteria provided, single submitter. Criteria: Invitae Variant Classification Sherloc (09022015). Collection method: clinical testing. Allele origin: germline.
Comment: This sequence change creates a premature translational stop signal (p.Asn109Lysfs*6) in the ATM gene. It is expected to result in an absent or disrupted protein product. Loss-of-function variants in ATM are known to be pathogenic (PMID: 23807571, 25614872). This variant is not present in population databases (ExAC no frequency). This variant has not been reported in the literature in individuals affected with ATM-related conditions. For these reasons, this variant has been classified as Pathogenic.

Literature cited by the submitters: PubMed 23807571; PubMed 25614872.

NM_000051.4(ATM):c.326dup (p.Asn109fs)

Gene: ATM (ATM serine/threonine kinase; plus strand). Cytogenetic location: 11q22.3.
Variant type: Duplication.
Coding change: c.326dup on transcript NM_000051.4 (MANE Select); coding-DNA position 326, one base duplicated (A; older notation c.326dupA).
Protein change: p.Asn109fs; shifts the reading frame from asparagine 109.
Molecular consequence: frameshift variant.
Genome position (GRCh38, 1-based): chr11:108,229,318, A duplicated; the last of 3 consecutive A bases (chr11:108,229,316-108,229,318); duplicating any one gives the same sequence. VCF-style (leftmost placement, unchanged base first): chr11-108229315-C-CA. GRCh37 (hg19) VCF-style: chr11-108100042-C-CA.
Other names: c.326dup, p.Asn109fs (NM_001351834.2, NM_001351835.2, NM_001351836.2); short protein forms N109fs.
Identifiers: ClinVar variation 1358493 (VCV001358493.6), dbSNP rs2135038488, ClinGen allele CA2573146490.